The following is an entry in ClinVar:

ClinVar aggregate classification (germline): Likely benign. Review status: criteria provided, multiple submitters, no conflicts (2 of 4 stars). 6 submissions from 6 submitters: Likely benign (5). 1 of the submissions does not count toward it. Last evaluated 2026-01-06.

Conditions:
Peutz-Jeghers syndrome (PJS). Also called: POLYPOSIS, HAMARTOMATOUS INTESTINAL; POLYPS-AND-SPOTS SYNDROME; Peutz-Jeghers polyposis; Periorificial lentiginosis syndrome. Identifiers: Orphanet 2869, MedGen C0031269, MeSH D010580, MONDO:0008280, OMIM 175200.
STK11-related disorder. Also called: STK11-related condition.
Hereditary cancer-predisposing syndrome. Also called: Neoplastic Syndromes, Hereditary; Tumor predisposition; Hereditary Cancer Syndrome; Hereditary neoplastic syndrome. Identifiers: Orphanet 140162, MedGen C0027672, MeSH D009386, MONDO:0015356.

Allele frequency attached by ClinVar (database versions not stated): gnomAD 0.00001; TOPMed 0.00001; ExAC 0.00003; ESP Exome Variant Server 0.00008.

Submissions (6):

Labcorp Genetics (formerly Invitae), Labcorp
Classification: Likely benign for Peutz-Jeghers syndrome. Last evaluated: 2026-01-06. Review status: criteria provided, single submitter. Criteria: Invitae Variant Classification Sherloc (09022015). Collection method: clinical testing. Allele origin: germline.

Center for Genomic Medicine, Rigshospitalet, Copenhagen University Hospital
Classification: Likely benign. Last evaluated: 2025-03-04. Review status: criteria provided, single submitter. Criteria: ACMG Guidelines, 2015. Collection method: clinical testing. Allele origin: germline.

Blueprint Genetics
Classification: Likely benign. Last evaluated: 2024-02-14. Review status: criteria provided, single submitter. Criteria: ACMG Guidelines, 2015. Collection method: clinical testing. Allele origin: germline.

Color Diagnostics, LLC DBA Color Health
Classification: Likely benign for Hereditary cancer-predisposing syndrome. Last evaluated: 2017-03-06. Review status: criteria provided, single submitter. Criteria: ACMG Guidelines, 2015. Collection method: clinical testing. Allele origin: germline.

GeneDx
Classification: Likely benign. Last evaluated: 2016-10-05. Review status: criteria provided, single submitter. Criteria: GeneDx Variant Classification (06012015). Collection method: clinical testing. Allele origin: germline. Affected: yes.
Comment: This variant is considered likely benign or benign based on one or more of the following criteria: it is a conservative change, it occurs at a poorly conserved position in the protein, it is predicted to be benign by multiple in silico algorithms, and/or has population frequency not consistent with disease.

PreventionGenetics, part of Exact Sciences
Classification: Likely benign for STK11-related condition. Last evaluated: 2019-03-08. Review status: no assertion criteria provided. Collection method: clinical testing. Allele origin: germline. Not counted in ClinVar's aggregate classification.
Comment: This variant is classified as likely benign based on ACMG/AMP sequence variant interpretation guidelines (Richards et al. 2015 PMID: 25741868, with internal and published modifications).

NM_000455.5(STK11):c.734+19C>T

Gene: STK11 (serine/threonine kinase 11; plus strand). Cytogenetic location: 19p13.3.
Variant type: single nucleotide variant.
Coding change: c.734+19C>T on transcript NM_000455.5 (MANE Select); 19 bases into the intron after coding-DNA position 734, C replaced by T.
Molecular consequence: intron variant.
Genome position (GRCh38, 1-based): chr19:1,220,736, C>T. VCF-style: chr19-1220736-C-T. GRCh37 (hg19) VCF-style: chr19-1220735-C-T.
Identifiers: ClinVar variation 380342 (VCV000380342.15), dbSNP rs372338167, ClinGen allele CA048650.